The following is an entry in ClinVar:

ClinVar aggregate classification (germline): Pathogenic. Review status: criteria provided, multiple submitters, no conflicts (2 of 4 stars). 2 submissions from 2 submitters: Pathogenic (2). Last evaluated 2025-02-04.

Conditions:
Intellectual disability, X-linked 102 (MRXSSB). Also called: Intellectual developmental disorder, X-linked syndromic, Snijders Blok type. Identifiers: Orphanet 457260, MedGen C5393299, MONDO:0010497, OMIM 300958.

Submissions (2):

GeneDx
Classification: Pathogenic. Last evaluated: 2025-02-04. Review status: criteria provided, single submitter. Criteria: GeneDx Variant Classification Process June 2021. Collection method: clinical testing. Allele origin: germline. Affected: yes.
Comment: Frameshift variant predicted to result in protein truncation or nonsense mediated decay in a gene for which loss of function is a known mechanism of disease; Not observed at significant frequency in large population cohorts (gnomAD); Has not been previously published as pathogenic or benign to our knowledge

Revvity Omics, Revvity
Classification: Pathogenic for Intellectual disability, X-linked 102. Last evaluated: 2020-07-20. Review status: criteria provided, single submitter. Criteria: ACMG Guidelines, 2015. Collection method: clinical testing. Allele origin: germline.

NM_001356.5(DDX3X):c.1251_1252del (p.Lys418fs)

Gene: DDX3X (DEAD-box helicase 3 X-linked; plus strand). Cytogenetic location: Xp11.4.
Variant type: Deletion.
Coding change: c.1251_1252del on transcript NM_001356.5 (MANE Select); coding-DNA positions 1251 to 1252, 2 bases deleted (GA; older notation c.1251_1252delGA).
Protein change: p.Lys418fs; shifts the reading frame from lysine 418.
Molecular consequence: frameshift variant. On other transcripts: non-coding transcript variant (1).
Genome position (GRCh38, 1-based): chrX:41,345,484-41,345,485, GA deleted; deleting any 2 consecutive bases within chrX:41,345,483-41,345,485 gives the same sequence; the c. name uses the placement nearest the transcript's 3' end. VCF-style (leftmost placement, unchanged base first): chrX-41345482-CAG-C. GRCh37 (hg19) VCF-style: chrX-41204735-CAG-C.
Other names: c.1251_1252del, p.Lys418fs (NM_001193416.3); c.1203_1204del, p.Lys402fs (NM_001193417.3); c.693_694del, p.Lys232fs (NM_001363819.1); short protein forms K232fs, K402fs, K418fs.
Identifiers: ClinVar variation 1322193 (VCV001322193.6), dbSNP rs2147356679, ClinGen allele CA2573055316.